The following is an entry in ClinVar:

NM_001384900.1(SEMA3D):c.2128C>A (p.Arg710=)

Genes: SEMA3D (semaphorin 3D; minus strand), LOC126860094 (BRD4-independent group 4 enhancer GRCh37_chr7:84628763-84629962; plus strand). Cytogenetic location: 7q21.11.
Variant type: single nucleotide variant.
Coding change: c.2128C>A on transcript NM_001384900.1 (MANE Select); coding-DNA position 2128, C replaced by A.
Protein change: p.Arg710=; no amino-acid change (arginine 710 retained).
Molecular consequence: synonymous variant.
Genome position (GRCh38, 1-based): chr7:84,999,646, G>T on the plus strand (C>A on the coding strand, the complement: SEMA3D is on the minus strand). VCF-style: chr7-84999646-G-T. GRCh37 (hg19) VCF-style: chr7-84628962-G-T.
Other names: c.2128C>A, p.Arg710= (NM_001384901.1, NM_001384902.1, NM_001384903.1 and 1 more transcripts).
Identifiers: ClinVar variation 4983807 (VCV004983807.1).
Genomic context (GRCh38, chr7:84,999,646, plus strand): 5'-ACTGGTCGAGGCTGAAGTTTGGGCTGCTAAGGATTTGGATGTAGTCTTTGTATCTCAACC[G>T]TGACTCAGCCAATAGATCCTTGACCTTCCCCTCCTCATGCTCTGCCCTCTGGGTATTTTC-3'
Protein context (NP_001371829.1, residues 700-720): GKVKDLLAES[Arg710=]LRYKDYIQIL

ClinVar aggregate classification (germline): Likely benign (1 of 4 stars; one submission).

Conditions:
SEMA3D-related disorder. Also called: SEMA3D-related condition.

gnomAD v4.1: 1 of 1,613,980 alleles (0.000062%); highest among the groups gnomAD compares: African/African-American, 0.0013%; no homozygotes.

Submission:

PreventionGenetics, part of Exact Sciences
Classification: Likely benign for SEMA3D-related condition. Last evaluated: 2025-09-29. Review status: criteria provided, single submitter. Criteria: ACMG Guidelines, 2015. Collection method: clinical testing. Allele origin: germline.
Comment: This variant is classified as likely benign based on ACMG/AMP sequence variant interpretation guidelines (Richards et al. 2015 PMID: 25741868, with internal and published modifications).